The following is an entry in ClinVar:

NM_025194.3(ITPKC):c.1155+9G>C

Gene: ITPKC (inositol-trisphosphate 3-kinase C; plus strand). Cytogenetic location: 19q13.2.
Variant type: single nucleotide variant.
Coding change: c.1155+9G>C on transcript NM_025194.3 (MANE Select); 9 bases into the intron after coding-DNA position 1155, G replaced by C.
Molecular consequence: intron variant.
Genome position (GRCh38, 1-based): chr19:40,718,299, G>C. VCF-style: chr19-40718299-G-C. GRCh37 (hg19) VCF-style: chr19-41224204-G-C.
Other names: IVS1, G/C.
Identifiers: ClinVar variation 4277 (VCV000004277.4), dbSNP rs28493229, ClinGen allele CA9450777.

ClinVar aggregate classification (germline): Conflicting classifications of pathogenicity. Review status: no assertion criteria provided (0 of 4 stars). 2 submissions from 2 submitters: Uncertain significance (1); Benign (1). Last evaluated 2019-11-15.

Conditions:
ITPKC-related disorder. Also called: ITPKC-related condition.
Reclassified - variant of unknown significance.

Allele frequency attached by ClinVar (database versions not stated): 1000 Genomes Project 0.08586; gnomAD 0.10089 and 0.10280; 1000 Genomes Project 30x 0.08167; TOPMed 0.09770; ExAC 0.12437; ESP Exome Variant Server 0.08848.
gnomAD v4.1: 188,533 of 1,503,416 alleles (13%); highest among the groups gnomAD compares: Admixed American, 17%; 12,452 homozygotes.

Submissions (2):

PreventionGenetics, part of Exact Sciences
Classification: Benign for ITPKC-related condition. Last evaluated: 2019-11-15. Review status: no assertion criteria provided. Collection method: clinical testing. Allele origin: germline.
Comment: This variant is classified as benign based on ACMG/AMP sequence variant interpretation guidelines (Richards et al. 2015 PMID: 25741868, with internal and published modifications).

OMIM
Classification: Uncertain significance for RECLASSIFIED - VARIANT OF UNKNOWN SIGNIFICANCE. Last evaluated: 2010-03-15. Review status: no assertion criteria provided. Collection method: literature only. Allele origin: germline.

Literature cited by the submitters: PubMed 18084290 (cited by OMIM); PubMed 20045869 (cited by OMIM); Hamosh, A. Personal Communication. 2020. Baltimore, Md. (cited by OMIM).